The following is an entry in ClinVar:

NM_002471.4(MYH6):c.5290-11C>G

Gene: MYH6 (myosin heavy chain 6; minus strand). Cytogenetic location: 14q11.2.
Variant type: single nucleotide variant.
Coding change: c.5290-11C>G on transcript NM_002471.4 (MANE Select); 11 bases into the intron before coding-DNA position 5290, C replaced by G.
Molecular consequence: intron variant.
Genome position (GRCh38, 1-based): chr14:23,384,728, G>C on the plus strand (C>G on the coding strand, the complement: MYH6 is on the minus strand). VCF-style: chr14-23384728-G-C. GRCh37 (hg19) VCF-style: chr14-23853937-G-C.
Identifiers: ClinVar variation 511167 (VCV000511167.5), dbSNP rs764779081, ClinGen allele CA7114464.
Genomic context (GRCh38, chr14:23,384,728, plus strand): 5'-TGGGCGCTGGTGTCCTGCTCCTTCTTCAGCTCCTCTGCCATCATGGCGGCCTGTGTGCAG[G>C]AGAGAGGTGGCAAGGAACATGGGCCAGGGGCCGGGGCCTTTTGCCCCCCAAGGATCTCCT-3'

ClinVar aggregate classification (germline): Likely benign. Review status: criteria provided, multiple submitters, no conflicts (2 of 4 stars). 2 submissions from 2 submitters: Likely benign (2). Last evaluated 2024-12-08.

Conditions:
Hypertrophic cardiomyopathy 14. Identifiers: MedGen C2750467, MONDO:0013197, OMIM 613251.

Allele frequency attached by ClinVar (database versions not stated): TOPMed 0.00002; gnomAD exomes 0.00001; ExAC 0.00002.
gnomAD v4.1: 15 of 1,614,110 alleles (0.00093%); highest among the groups gnomAD compares: South Asian, 0.011%; no homozygotes.

Submissions (2):

Labcorp Genetics (formerly Invitae), Labcorp
Classification: Likely benign for Hypertrophic cardiomyopathy 14. Last evaluated: 2024-12-08. Review status: criteria provided, single submitter. Criteria: Invitae Variant Classification Sherloc (09022015). Collection method: clinical testing. Allele origin: germline.

GeneDx
Classification: Likely benign. Last evaluated: 2017-08-03. Review status: criteria provided, single submitter. Criteria: GeneDx Variant Classification (06012015). Collection method: clinical testing. Allele origin: germline. Affected: yes.
Comment: This variant is considered likely benign or benign based on one or more of the following criteria: it is a conservative change, it occurs at a poorly conserved position in the protein, it is predicted to be benign by multiple in silico algorithms, and/or has population frequency not consistent with disease.